The following is an entry in ClinVar:

NM_139058.3(ARX):c.1461A>G (p.Thr487=)

Gene: ARX (aristaless related homeobox; minus strand). Cytogenetic location: Xp21.3.
Variant type: single nucleotide variant.
Coding change: c.1461A>G on transcript NM_139058.3 (MANE Select); coding-DNA position 1461, A replaced by G.
Protein change: p.Thr487=; no amino-acid change (threonine 487 retained).
Molecular consequence: synonymous variant.
Genome position (GRCh38, 1-based): chrX:25,004,898, T>C on the plus strand (A>G on the coding strand, the complement: ARX is on the minus strand). VCF-style: chrX-25004898-T-C. GRCh37 (hg19) VCF-style: chrX-25023015-T-C.
Identifiers: ClinVar variation 514021 (VCV000514021.1), dbSNP rs1556046934, ClinGen allele CA515748154.

ClinVar aggregate classification (germline): Likely benign (1 of 4 stars; one submission).

Submission:

GeneDx
Classification: Likely benign. Last evaluated: 2018-01-02. Review status: criteria provided, single submitter. Criteria: GeneDx Variant Classification (06012015). Collection method: clinical testing. Allele origin: germline. Affected: yes.
Comment: This variant is considered likely benign or benign based on one or more of the following criteria: it is a conservative change, it occurs at a poorly conserved position in the protein, it is predicted to be benign by multiple in silico algorithms, and/or has population frequency not consistent with disease.